The following is an entry in ClinVar:

ClinVar aggregate classification (germline): Uncertain significance (1 of 4 stars; one submission).

Conditions:
RASopathy. Also called: rasopathies; Noonan spectrum disorder. Identifiers: Orphanet 536391, MedGen C5555857, MONDO:0021060.

Submission:

Labcorp Genetics (formerly Invitae), Labcorp
Classification: Uncertain significance for RASopathy. Last evaluated: 2025-11-23. Review status: criteria provided, single submitter. Criteria: Invitae Variant Classification Sherloc (09022015). Collection method: clinical testing. Allele origin: germline.
Comment: This sequence change creates a premature translational stop signal (p.Pro271Leufs*6) in the RAF1 gene. It is expected to result in an absent or disrupted protein product. However, the current clinical and genetic evidence is not sufficient to establish whether loss-of-function variants in RAF1 cause disease. This variant is not present in population databases (gnomAD no frequency). This variant has not been reported in the literature in individuals affected with RAF1-related conditions. In summary, the available evidence is currently insufficient to determine the role of this variant in disease. Therefore, it has been classified as a Variant of Uncertain Significance.

NM_002880.4(RAF1):c.812del (p.Pro271fs)

Gene: RAF1 (Raf-1 proto-oncogene, serine/threonine kinase; minus strand). Cytogenetic location: 3p25.2.
Variant type: Deletion.
Coding change: c.812del on transcript NM_002880.4 (MANE Select); coding-DNA position 812, one base deleted (C; older notation c.812delC).
Protein change: p.Pro271fs; shifts the reading frame from proline 271.
Molecular consequence: frameshift variant. On other transcripts: non-coding transcript variant (3).
Genome position (GRCh38, 1-based): chr3:12,604,158, G deleted on the plus strand (C on the coding strand, the reverse complement: RAF1 is on the minus strand); the first of 2 consecutive G bases (chr3:12,604,158-12,604,159); deleting either gives the same sequence. VCF-style (leftmost placement, unchanged base first): chr3-12604157-AG-A. GRCh37 (hg19) VCF-style: chr3-12645656-AG-A.
Other names: c.812del, p.Pro271fs (NM_001354689.3, NM_001354690.3); c.569del, p.Pro190fs (NM_001354691.3, NM_001354692.3, NM_001354694.3); c.713del, p.Pro238fs (NM_001354693.3); c.470del, p.Pro157fs (NM_001354695.3); short protein forms P271fs, P157fs, P238fs, P190fs.
Identifiers: ClinVar variation 4731750 (VCV004731750.1).